The following is an entry in ClinVar:

ClinVar aggregate classification (germline): Likely pathogenic (1 of 4 stars; one submission).

Conditions:
Chromosome 2q32-q33 deletion syndrome (GLASS). Also called: Glass syndrome; 2q33.1 deletion syndrome. Identifiers: Orphanet 251019, MedGen C2676739, MONDO:0012864, OMIM 612313.

Submission:

Institute for Genomic Medicine (IGM) Clinical Laboratory, Nationwide Children's Hospital
Classification: Likely pathogenic for Chromosome 2q32-q33 deletion syndrome. Last evaluated: 2017-09-22. Review status: criteria provided, single submitter. Criteria: ACMG Guidelines, 2015. Collection method: clinical testing. Allele origin: germline. Affected: yes.
Comment: [ACMG/AMP: PS2, PM1, PM2, PP2] This alteration is de novo in origin as it was not detected in the submitted parental specimens (identity confirmed) [PS2], is located in a mutational hotspot and/or critical and well-established functional domain [PM1], is absent from or rarely observed in large-scale population databases [PM2], is a missense variant in a gene in which missense variants are a common mechanism of disease [PP2].

NM_001172509.2(SATB2):c.1298A>C (p.Tyr433Ser)

Gene: SATB2 (SATB homeobox 2; minus strand). Cytogenetic location: 2q33.1.
Variant type: single nucleotide variant.
Coding change: c.1298A>C on transcript NM_001172509.2 (MANE Select); coding-DNA position 1298, A replaced by C.
Protein change: p.Tyr433Ser; replaces tyrosine 433 with serine.
Molecular consequence: missense variant.
Genome position (GRCh38, 1-based): chr2:199,328,786, T>G on the plus strand (A>C on the coding strand, the complement: SATB2 is on the minus strand). VCF-style: chr2-199328786-T-G. GRCh37 (hg19) VCF-style: chr2-200193509-T-G.
Other names: c.1298A>C, p.Tyr433Ser (NM_001172517.1, NM_015265.4); short protein forms Y433S.
Identifiers: ClinVar variation 973256 (VCV000973256.5), dbSNP rs1688103993, ClinGen allele CA350386325.